The following is an entry in ClinVar:

NM_020919.4(ALS2):c.2479A>G (p.Thr827Ala)

Gene: ALS2 (alsin Rho guanine nucleotide exchange factor ALS2; minus strand). Cytogenetic location: 2q33.1.
Variant type: single nucleotide variant.
Coding change: c.2479A>G on transcript NM_020919.4 (MANE Select); coding-DNA position 2479, A replaced by G.
Protein change: p.Thr827Ala; replaces threonine 827 with alanine.
Molecular consequence: missense variant.
Genome position (GRCh38, 1-based): chr2:201,733,377, T>C on the plus strand (A>G on the coding strand, the complement: ALS2 is on the minus strand). VCF-style: chr2-201733377-T-C. GRCh37 (hg19) VCF-style: chr2-202598100-T-C.
Other names: short protein forms T827A.
Identifiers: ClinVar variation 1511831 (VCV001511831.8), dbSNP rs202219507, ClinGen allele CA350324160.

ClinVar aggregate classification (germline): Uncertain significance (1 of 4 stars; one submission).

Conditions:
Infantile-onset ascending hereditary spastic paralysis (IAHSP). Also called: Infantile-Onset Ascending Hereditary Spastic Paralysis (IAHSP); Autosomal Recessive Juvenile Amyotrophic Lateral Sclerosis. Identifiers: Orphanet 293168, MedGen C2931441, MONDO:0011797, OMIM 607225. Disease mechanism: loss of function.

Submission:

Labcorp Genetics (formerly Invitae), Labcorp
Classification: Uncertain significance for Infantile-onset ascending hereditary spastic paralysis. Last evaluated: 2021-06-08. Review status: criteria provided, single submitter. Criteria: Invitae Variant Classification Sherloc (09022015). Collection method: clinical testing. Allele origin: germline.
Comment: In summary, the available evidence is currently insufficient to determine the role of this variant in disease. Therefore, it has been classified as a Variant of Uncertain Significance. Algorithms developed to predict the effect of missense changes on protein structure and function (SIFT, PolyPhen-2, Align-GVGD) all suggest that this variant is likely to be tolerated, but these predictions have not been confirmed by published functional studies and their clinical significance is uncertain. This variant has not been reported in the literature in individuals with ALS2-related conditions. This variant is not present in population databases (ExAC no frequency). This sequence change replaces threonine with alanine at codon 827 of the ALS2 protein (p.Thr827Ala). The threonine residue is weakly conserved and there is a small physicochemical difference between threonine and alanine.